The following is an entry in ClinVar:

NM_018942.3(HMX1):c.151G>A (p.Asp51Asn)

Gene: HMX1 (H6 family homeobox 1; minus strand). Cytogenetic location: 4p16.1.
Variant type: single nucleotide variant.
Coding change: c.151G>A on transcript NM_018942.3 (MANE Select); coding-DNA position 151, G replaced by A.
Protein change: p.Asp51Asn; replaces aspartic acid 51 with asparagine.
Molecular consequence: missense variant.
Genome position (GRCh38, 1-based): chr4:8,871,464, C>T on the plus strand (G>A on the coding strand, the complement: HMX1 is on the minus strand). VCF-style: chr4-8871464-C-T. GRCh37 (hg19) VCF-style: chr4-8873190-C-T.
Other names: c.151G>A, p.Asp51Asn (NM_001306142.2); short protein forms D51N.
Identifiers: ClinVar variation 955723 (VCV000955723.7), dbSNP rs1297886410, ClinGen allele CA356279246.

ClinVar aggregate classification (germline): Uncertain significance (1 of 4 stars; one submission).

Allele frequency attached by ClinVar (database versions not stated): TOPMed 0.00001.

Submission:

Labcorp Genetics (formerly Invitae), Labcorp
Classification: Uncertain significance. Last evaluated: 2025-04-28. Review status: criteria provided, single submitter. Criteria: Invitae Variant Classification Sherloc (09022015). Collection method: clinical testing. Allele origin: germline.
Comment: This sequence change replaces aspartic acid, which is acidic and polar, with asparagine, which is neutral and polar, at codon 51 of the HMX1 protein (p.Asp51Asn). This variant is not present in population databases (gnomAD no frequency). This variant has not been reported in the literature in individuals affected with HMX1-related conditions. ClinVar contains an entry for this variant (Variation ID: 955723). Experimental studies and prediction algorithms are not available or were not evaluated, and the functional significance of this variant is currently unknown. In summary, the available evidence is currently insufficient to determine the role of this variant in disease. Therefore, it has been classified as a Variant of Uncertain Significance.